The following is an entry in ClinVar:

NM_003816.3(ADAM9):c.2011C>T (p.Pro671Ser)

Gene: ADAM9 (ADAM metallopeptidase domain 9; plus strand). Cytogenetic location: 8p11.22.
Variant type: single nucleotide variant.
Coding change: c.2011C>T on transcript NM_003816.3 (MANE Select); coding-DNA position 2011, C replaced by T.
Protein change: p.Pro671Ser; replaces proline 671 with serine.
Molecular consequence: missense variant. On other transcripts: non-coding transcript variant (1).
Genome position (GRCh38, 1-based): chr8:39,083,016, C>T. VCF-style: chr8-39083016-C-T. GRCh37 (hg19) VCF-style: chr8-38940535-C-T.
Other names: short protein forms P671S.
Identifiers: ClinVar variation 2132710 (VCV002132710.4), dbSNP rs764068049, ClinGen allele CA175200514.

ClinVar aggregate classification (germline): Uncertain significance (1 of 4 stars; one submission).

Allele frequency attached by ClinVar (database versions not stated): gnomAD exomes 0.00001.
gnomAD v4.1: 3 of 1,613,848 alleles (0.00019%); highest among the groups gnomAD compares: Non-Finnish European, 0.00025%; no homozygotes.

Submission:

Labcorp Genetics (formerly Invitae), Labcorp
Classification: Uncertain significance. Last evaluated: 2024-04-17. Review status: criteria provided, single submitter. Criteria: Invitae Variant Classification Sherloc (09022015). Collection method: clinical testing. Allele origin: germline.
Comment: This sequence change replaces proline, which is neutral and non-polar, with serine, which is neutral and polar, at codon 671 of the ADAM9 protein (p.Pro671Ser). This variant is present in population databases (rs764068049, gnomAD 0.002%). This variant has not been reported in the literature in individuals affected with ADAM9-related conditions. ClinVar contains an entry for this variant (Variation ID: 2132710). Advanced modeling of protein sequence and biophysical properties (such as structural, functional, and spatial information, amino acid conservation, physicochemical variation, residue mobility, and thermodynamic stability) performed at Invitae indicates that this missense variant is not expected to disrupt ADAM9 protein function with a negative predictive value of 80%. In summary, the available evidence is currently insufficient to determine the role of this variant in disease. Therefore, it has been classified as a Variant of Uncertain Significance.